The following is an entry in ClinVar:

NM_006516.4(SLC2A1):c.-50G>T

Gene: SLC2A1 (solute carrier family 2 member 1; minus strand). Cytogenetic location: 1p34.2.
Variant type: single nucleotide variant.
Coding change: c.-50G>T on transcript NM_006516.4 (MANE Select); 50 bases upstream of the start codon, G replaced by T.
Molecular consequence: 5 prime UTR variant.
Genome position (GRCh38, 1-based): chr1:42,958,701, C>A on the plus strand (G>T on the coding strand, the complement: SLC2A1 is on the minus strand). VCF-style: chr1-42958701-C-A. GRCh37 (hg19) VCF-style: chr1-43424372-C-A.
Identifiers: ClinVar variation 207183 (VCV000207183.1), dbSNP rs796053244, ClinGen allele CA318415.
Genomic context (GRCh38, chr1:42,958,701, plus strand): 5'-CTGGGCTCCATGGCAGCGCTGCGCTGGTGGCTCTGGCTGCGCCGGGTACGCGGGTGGCGA[C>A]GGGCGTGCGAGCGGCGCTCTCCCGCTCAGGCTCGTGCTCCGGTCCGGGGACTCCCACTGC-3'

ClinVar aggregate classification (germline): Likely benign (1 of 4 stars; one submission).

Allele frequency attached by ClinVar (database versions not stated): TOPMed 0.00006.
gnomAD v4.1: 66 of 1,529,254 alleles (0.0043%); highest among the groups gnomAD compares: Non-Finnish European, 0.0052%; no homozygotes.

Submission:

GeneDx
Classification: Likely benign. Last evaluated: 2018-01-30. Review status: criteria provided, single submitter. Criteria: GeneDx Variant Classification (06012015). Collection method: clinical testing. Allele origin: germline. Affected: yes.
Comment: This variant is considered likely benign or benign based on one or more of the following criteria: it is a conservative change, it occurs at a poorly conserved position in the protein, it is predicted to be benign by multiple in silico algorithms, and/or has population frequency not consistent with disease.